The following is an entry in ClinVar:

ClinVar aggregate classification (germline): Uncertain significance (1 of 4 stars; one submission).

Conditions:
POLD1-related polyposis and colorectal cancer syndrome (CRCS10). Also called: Colorectal cancer 10; COLORECTAL CANCER, SUSCEPTIBILITY TO, ON CHROMOSOME 19q; Colorectal cancer, susceptibility to, 10. Identifiers: Orphanet 220460, MedGen C2675481, MONDO:0012953, OMIM 612591.

Submission:

Labcorp Genetics (formerly Invitae), Labcorp
Classification: Uncertain significance for POLD1-related polyposis and colorectal cancer syndrome. Last evaluated: 2023-02-14. Review status: criteria provided, single submitter. Criteria: Invitae Variant Classification Sherloc (09022015). Collection method: clinical testing. Allele origin: germline.
Comment: In summary, the available evidence is currently insufficient to determine the role of this variant in disease. Therefore, it has been classified as a Variant of Uncertain Significance. Variants that disrupt the consensus splice site are a relatively common cause of aberrant splicing (PMID: 17576681, 9536098). Algorithms developed to predict the effect of sequence changes on RNA splicing suggest that this variant may disrupt the consensus splice site. Algorithms developed to predict the effect of missense changes on protein structure and function are either unavailable or do not agree on the potential impact of this missense change (SIFT: "Tolerated"; PolyPhen-2: "Probably Damaging"; Align-GVGD: "Class C0"). This variant has not been reported in the literature in individuals affected with POLD1-related conditions. This variant is not present in population databases (gnomAD no frequency). This sequence change replaces arginine, which is basic and polar, with leucine, which is neutral and non-polar, at codon 253 of the POLD1 protein (p.Arg253Leu). This variant also falls at the last nucleotide of exon 6, which is part of the consensus splice site for this exon.

Literature cited by the submitters: PubMed 17576681; PubMed 9536098.

NM_002691.4(POLD1):c.758G>T (p.Arg253Leu)

Gene: POLD1 (DNA polymerase delta 1, catalytic subunit; plus strand). Cytogenetic location: 19q13.33.
Variant type: single nucleotide variant.
Coding change: c.758G>T on transcript NM_002691.4 (MANE Select); coding-DNA position 758, G replaced by T.
Protein change: p.Arg253Leu; replaces arginine 253 with leucine.
Molecular consequence: missense variant. On other transcripts: non-coding transcript variant (1).
Genome position (GRCh38, 1-based): chr19:50,402,373, G>T. VCF-style: chr19-50402373-G-T. GRCh37 (hg19) VCF-style: chr19-50905630-G-T.
Other names: c.758G>T, p.Arg253Leu (NM_001256849.1, NM_001308632.1); short protein forms R253L.
Identifiers: ClinVar variation 2837425 (VCV002837425.3), dbSNP rs1366413924, ClinGen allele CA406974695.
Genomic context (GRCh38, chr19:50,402,373, plus strand): 5'-TGGCAGGCCTGGGCACGCCCAGCTTCGCGCCCTACGAGGCCAACGTCGACTTTGAGATCC[G>T]GTACGGCCTCTGCCTCACTTCTCCGGCCTCTATCCCCACCCTCGGGCAGCCCCTGTCCAC-3'
Protein context (NP_002682.2, residues 243-263): PYEANVDFEI[Arg253Leu]FMVDTDIVGC